The following is an entry in ClinVar:

NM_020066.5(FMN2):c.729C>T (p.Pro243=)

Gene: FMN2 (formin 2; plus strand). Cytogenetic location: 1q43.
Variant type: single nucleotide variant.
Coding change: c.729C>T on transcript NM_020066.5 (MANE Select); coding-DNA position 729, C replaced by T.
Protein change: p.Pro243=; no amino-acid change (proline 243 retained).
Molecular consequence: synonymous variant.
Genome position (GRCh38, 1-based): chr1:240,092,838, C>T. VCF-style: chr1-240092838-C-T. GRCh37 (hg19) VCF-style: chr1-240256138-C-T.
Other names: c.729C>T, p.Pro243= (NM_001305424.2, NM_001348094.2).
Identifiers: ClinVar variation 3032065 (VCV003032065.2), dbSNP rs761713019, ClinGen allele CA424396008.

ClinVar aggregate classification (germline): Likely benign (0 of 4 stars; one submission).

Conditions:
FMN2-related disorder. Also called: FMN2-related condition.

Allele frequency attached by ClinVar (database versions not stated): TOPMed 0.00001.
gnomAD v4.1: 3 of 1,558,568 alleles (0.00019%); highest among the groups gnomAD compares: African/African-American, 0.0014%; no homozygotes.

Submission:

PreventionGenetics, part of Exact Sciences
Classification: Likely benign for FMN2-related condition. Last evaluated: 2023-03-17. Review status: no assertion criteria provided. Collection method: clinical testing. Allele origin: germline.
Comment: This variant is classified as likely benign based on ACMG/AMP sequence variant interpretation guidelines (Richards et al. 2015 PMID: 25741868, with internal and published modifications).